The following is an entry in ClinVar:

NM_017882.3(CLN6):c.121del (p.Ala41fs)

Gene: CLN6 (CLN6 transmembrane ER protein; minus strand). Cytogenetic location: 15q23.
Variant type: Deletion.
Coding change: c.121del on transcript NM_017882.3 (MANE Select); coding-DNA position 121, one base deleted (G; older notation c.121delG).
Protein change: p.Ala41fs; shifts the reading frame from alanine 41.
Molecular consequence: frameshift variant.
Genome position (GRCh38, 1-based): chr15:68,218,613, C deleted on the plus strand (G on the coding strand, the reverse complement: CLN6 is on the minus strand); the first of 2 consecutive C bases (chr15:68,218,613-68,218,614); deleting either gives the same sequence. VCF-style (leftmost placement, unchanged base first): chr15-68218612-GC-G. GRCh37 (hg19) VCF-style: chr15-68510950-GC-G.
Other names: short protein forms A41fs.
Identifiers: ClinVar variation 1071216 (VCV001071216.7), dbSNP rs2141145116, ClinGen allele CA2499223067.

ClinVar aggregate classification (germline): Pathogenic (1 of 4 stars; one submission).

Conditions:
Neuronal ceroid lipofuscinosis. Also called: Neuronal Ceroid Lipofuscinoses. Identifiers: Orphanet 216, Orphanet 79263, MedGen C0027877, MONDO:0016295. Disease mechanism: loss of function.

Submission:

Labcorp Genetics (formerly Invitae), Labcorp
Classification: Pathogenic for Neuronal ceroid lipofuscinosis. Last evaluated: 2020-03-05. Review status: criteria provided, single submitter. Criteria: Invitae Variant Classification Sherloc (09022015). Collection method: clinical testing. Allele origin: germline.
Comment: For these reasons, this variant has been classified as Pathogenic. Loss-of-function variants in CLN6 are known to be pathogenic (PMID: 19135028). This variant has not been reported in the literature in individuals with CLN6-related conditions. This variant is not present in population databases (ExAC no frequency). This sequence change creates a premature translational stop signal (p.Ala41Leufs*75) in the CLN6 gene. It is expected to result in an absent or disrupted protein product.

Literature cited by the submitters: PubMed 19135028.